The following is an entry in ClinVar:

NM_001042492.3(NF1):c.5789_5790del (p.Cys1930fs)

Gene: NF1 (neurofibromin 1; plus strand). Cytogenetic location: 17q11.2.
Variant type: Microsatellite.
Coding change: c.5789_5790del on transcript NM_001042492.3 (MANE Select); coding-DNA positions 5789 to 5790, 2 bases deleted (GT; older notation c.5789_5790delGT).
Protein change: p.Cys1930fs; shifts the reading frame from cysteine 1930.
Molecular consequence: frameshift variant.
Genome position (GRCh38, 1-based): chr17:31,330,475-31,330,476, GT deleted; deleting any 2 consecutive bases within chr17:31,330,473-31,330,476 gives the same sequence; the c. name uses the placement nearest the transcript's 3' end. VCF-style (leftmost placement, unchanged base first): chr17-31330472-AGT-A. GRCh37 (hg19) VCF-style: chr17-29657490-AGT-A.
Other names: c.5726_5727delGT (NM_000267.3); c.5724_5725GT[1], p.Cys1909Tyrfs (NM_000267.4); short protein forms C1909fs, C1930fs.
Identifiers: ClinVar variation 835683 (VCV000835683.11), dbSNP rs2069454362, ClinGen allele CA891842271.

ClinVar aggregate classification (germline): Pathogenic. Review status: criteria provided, multiple submitters, no conflicts (2 of 4 stars). 4 submissions from 4 submitters: Pathogenic (4). Last evaluated 2025-02-07.

Conditions:
Neurofibromatosis, type 1 (NF1). Also called: Peripheral type neurofibromatosis; Neurofibromatosis, type I; VON RECKLINGHAUSEN DISEASE; NEUROFIBROMATOSIS, TYPE I, SOMATIC. Identifiers: Orphanet 636, MedGen C0027831, MONDO:0018975, OMIM 162200. Disease mechanism: loss of function.

Submissions (4):

Women's Health and Genetics/Laboratory Corporation of America, LabCorp
Classification: Pathogenic for Neurofibromatosis, type 1. Last evaluated: 2025-02-07. Review status: criteria provided, single submitter. Criteria: LabCorp Variant Classification Summary - May 2015. Collection method: clinical testing. Allele origin: germline.
Comment: Variant summary: NF1 c.5726_5727delGT (p.Cys1909TyrfsX5) results in a premature termination codon, predicted to cause a truncation of the encoded protein or absence of the protein due to nonsense mediated decay, which are commonly known mechanisms for disease. The variant was absent in 251096 control chromosomes. c.5726_5727delGT has been reported in the literature in at least one individual affected with Neurofibromatosis Type 1 (e.g. Pasmant_2015). To our knowledge, no experimental evidence demonstrating an impact on protein function has been reported. The following publication has been ascertained in the context of this evaluation (PMID: 25074460). ClinVar contains an entry for this variant (Variation ID: 835683). Based on the evidence outlined above, the variant was classified as pathogenic.

Labcorp Genetics (formerly Invitae), Labcorp
Classification: Pathogenic for Neurofibromatosis, type 1. Last evaluated: 2023-01-13. Review status: criteria provided, single submitter. Criteria: Invitae Variant Classification Sherloc (09022015). Collection method: clinical testing. Allele origin: germline.
Comment: For these reasons, this variant has been classified as Pathogenic. ClinVar contains an entry for this variant (Variation ID: 835683). This premature translational stop signal has been observed in individual(s) with neurofibromatosis type 1 (PMID: 25074460). This variant is not present in population databases (gnomAD no frequency). This sequence change creates a premature translational stop signal (p.Cys1909Tyrfs*5) in the NF1 gene. It is expected to result in an absent or disrupted protein product. Loss-of-function variants in NF1 are known to be pathogenic (PMID: 10712197, 23913538).

Genome-Nilou Lab
Classification: Pathogenic for Neurofibromatosis, type 1. Last evaluated: 2022-03-15. Review status: criteria provided, single submitter. Criteria: ACMG Guidelines, 2015. Collection method: clinical testing. Allele origin: germline. Affected: no.

GeneDx
Classification: Pathogenic. Last evaluated: 2021-01-13. Review status: criteria provided, single submitter. Criteria: GeneDx Variant Classification Process June 2021. Collection method: clinical testing. Allele origin: germline. Affected: yes.
Comment: Frameshift variant predicted to result in protein truncation or nonsense mediated decay in a gene for which loss-of-function is a known mechanism of disease; Not observed in large population cohorts (Lek 2016); This variant is associated with the following publications: (PMID: 25074460)

Literature cited by the submitters: PubMed 25074460 (cited by Women's Health and Genetics/Laboratory Corporation of America, LabCorp and Labcorp Genetics (formerly Invitae), Labcorp); PubMed 10712197 (cited by Labcorp Genetics (formerly Invitae), Labcorp); PubMed 23913538 (cited by Labcorp Genetics (formerly Invitae), Labcorp).